The following is an entry in ClinVar:

NM_000384.3(APOB):c.8_9delinsAA (p.Pro3Gln)

Genes: APOB (apolipoprotein B; minus strand), LOC106560211 (APOB 5' regulatory region; plus strand). Cytogenetic location: 2p24.1.
Variant type: Indel.
Coding change: c.8_9delinsAA on transcript NM_000384.3 (MANE Select); coding-DNA positions 8 to 9, CG replaced by AA.
Protein change: p.Pro3Gln; replaces proline 3 with glutamine.
Molecular consequence: missense variant.
Genome position (GRCh38, 1-based): chr2:21,043,937-21,043,938, CG replaced by TT on the plus strand (CG replaced by AA on the coding strand, the reverse complement: APOB is on the minus strand). VCF-style: chr2-21043937-CG-TT. GRCh37 (hg19) VCF-style: chr2-21266809-CG-TT.
Other names: short protein forms P3Q.
Identifiers: ClinVar variation 3231459 (VCV003231459.2), dbSNP rs2465464345, ClinGen allele CA2825001045.
Genomic context (GRCh38, chr2:21,043,937, plus strand): 5'-CGCCAGCAGCAGCAGCAGCAGCGCAGGCAGCGCCAGCAGCGCCAGCAGCGCGGGCCTCGG[CG>TT]GGTCCATCGCCAGCTGCGGTGGGGCGGCTCCTGGGCTGCGGCCTGGCCTCGGCCTCGCGG-3'
Protein context (NP_000375.3, residues 1-13): MD[Pro3Gln]PRPALLALLA

ClinVar aggregate classification (germline): Uncertain significance. Review status: criteria provided, multiple submitters, no conflicts (2 of 4 stars). 2 submissions from 2 submitters: Uncertain significance (2). Last evaluated 2025-06-11.

Conditions:
Cardiovascular phenotype. Identifiers: MedGen CN230736.
Hypercholesterolemia, autosomal dominant, type B (FHCL2). Also called: Familial Hypercholesterolemia Type B; APOLIPOPROTEIN B-100, FAMILIAL DEFECTIVE; APOLIPOPROTEIN B-100, FAMILIAL LIGAND-DEFECTIVE; HYPERCHOLESTEROLEMIA, FAMILIAL, DUE TO LIGAND-DEFECTIVE APOLIPOPROTEIN B; Familial hypercholesterolemia 2; APOB-Related Familial Hypercholesterolemia, Autosomal Dominant. Identifiers: MedGen C1704417, MONDO:0007751, OMIM 144010.
Familial hypobetalipoproteinemia 1. Also called: APOB-Related Familial Hypobetalipoproteinemia; Hypobetalipoproteinemia, normotriglyceridemic; Acanthocytosis with hypobetalipoproteinemia. Identifiers: MedGen C4551990, MONDO:0014252, OMIM 615558.

Submissions (2):

Labcorp Genetics (formerly Invitae), Labcorp
Classification: Uncertain significance for Familial hypobetalipoproteinemia 1; Hypercholesterolemia, autosomal dominant, type B. Last evaluated: 2025-06-11. Review status: criteria provided, single submitter. Criteria: Invitae Variant Classification Sherloc (09022015). Collection method: clinical testing. Allele origin: germline.
Comment: This sequence change replaces proline, which is neutral and non-polar, with glutamine, which is neutral and polar, at codon 3 of the APOB protein (p.Pro3Gln). This variant is present in population databases (no rsID available, gnomAD 0.003%). This variant has not been reported in the literature in individuals affected with APOB-related conditions. ClinVar contains an entry for this variant (Variation ID: 3231459). An algorithm developed to predict the effect of missense changes on protein structure and function (PolyPhen-2) suggests that this variant is likely to be tolerated. In summary, the available evidence is currently insufficient to determine the role of this variant in disease. Therefore, it has been classified as a Variant of Uncertain Significance.

Ambry Genetics
Classification: Uncertain significance for Cardiovascular phenotype. Last evaluated: 2024-02-26. Review status: criteria provided, single submitter. Criteria: Ambry Variant Classification Scheme 2023. Collection method: clinical testing. Allele origin: germline.
Comment: The c.8_9delCGinsAA variant (also known as p.P3Q), located in coding exon 1 of the APOB gene, results from an in-frame deletion of CG and insertion of AA at nucleotide positions 8 to 9. This results in the substitution of the proline residue for a glutamine residue at codon 3, an amino acid with similar properties. This amino acid position is well conserved in available vertebrate species. In addition, this alteration is predicted to be neutral by in silico analysis (Choi Y et al. PLoS ONE. 2012; 7(10):e46688). Based on the available evidence, the clinical significance of this alteration remains unclear.